The following is an entry in ClinVar:

NM_000384.3(APOB):c.13600T>A (p.Tyr4534Asn)

Genes: APOB3'MAR (APOB 3' scaffold/matrix attachment region; plus strand), APOB (apolipoprotein B; minus strand). Cytogenetic location: 2p24.1.
Variant type: single nucleotide variant.
Coding change: c.13600T>A on transcript NM_000384.3 (MANE Select); coding-DNA position 13600, T replaced by A.
Protein change: p.Tyr4534Asn; replaces tyrosine 4534 with asparagine.
Molecular consequence: missense variant.
Genome position (GRCh38, 1-based): chr2:21,001,822, A>T on the plus strand (T>A on the coding strand, the complement: APOB is on the minus strand). VCF-style: chr2-21001822-A-T. GRCh37 (hg19) VCF-style: chr2-21224694-A-T.
Other names: short protein forms Y4534N.
Identifiers: ClinVar variation 921145 (VCV000921145.5), dbSNP rs1350773223, ClinGen allele CA345967038.

ClinVar aggregate classification (germline): Uncertain significance. Review status: criteria provided, multiple submitters, no conflicts (2 of 4 stars). 3 submissions from 3 submitters: Uncertain significance (3). Last evaluated 2025-03-27.

Conditions:
Cardiovascular phenotype. Identifiers: MedGen CN230736.
Familial hypercholesterolemia. Also called: Familial hypercholesterolaemia. Identifiers: MedGen C0020445, MONDO:0005439.

Allele frequency attached by ClinVar (database versions not stated): TOPMed below 0.00001; gnomAD 0.00001.
gnomAD v4.1: 1 of 1,613,968 alleles (0.000062%); highest among the groups gnomAD compares: Non-Finnish European, 0.000085%; no homozygotes.

Submissions (3):

GeneDx
Classification: Uncertain significance. Last evaluated: 2025-03-27. Review status: criteria provided, single submitter. Criteria: GeneDx Variant Classification Process June 2021. Collection method: clinical testing. Allele origin: germline. Affected: yes.
Comment: Not observed at significant frequency in large population cohorts (gnomAD); In silico analysis supports that this missense variant has a deleterious effect on protein structure/function; Has not been previously published as pathogenic or benign to our knowledge; Also known as p.(Y4507N)

Ambry Genetics
Classification: Uncertain significance for Cardiovascular phenotype. Last evaluated: 2025-01-28. Review status: criteria provided, single submitter. Criteria: Ambry Variant Classification Scheme 2023. Collection method: clinical testing. Allele origin: germline.
Comment: The p.Y4534N variant (also known as c.13600T>A), located in coding exon 29 of the APOB gene, results from a T to A substitution at nucleotide position 13600. The tyrosine at codon 4534 is replaced by asparagine, an amino acid with dissimilar properties. This amino acid position is conserved. In addition, this alteration is predicted to be tolerated by in silico analysis. Based on the available evidence, the clinical significance of this variant remains unclear.

Color Diagnostics, LLC DBA Color Health
Classification: Uncertain significance for Familial hypercholesterolemia. Last evaluated: 2018-11-15. Review status: criteria provided, single submitter. Criteria: ACMG Guidelines, 2015. Collection method: clinical testing. Allele origin: germline.
Comment: Variant of Uncertain Significance due to insufficient evidence: This missense variant (also known as p.Tyr4507Asn in the mature protein) is located in the alpha 3 domain of the APOB protein. Computational prediction tools and conservation analyses are inconclusive regarding the impact of this variant on the protein function. Computational splicing tools suggest that this variant may not impact RNA splicing. To our knowledge, functional assays have not been performed for this variant nor has this variant been reported in individuals affected with familial hypercholesterolemia in the literature. This variant is rare in the general population and has been identified in 0/277264 chromosomes by the Genome Aggregation Database (gnomAD). Available evidence is insufficient to determine the pathogenicity of this variant conclusively.